The following is an entry in ClinVar:

ClinVar aggregate classification (germline): Uncertain significance. Review status: criteria provided, multiple submitters, no conflicts (2 of 4 stars). 3 submissions from 3 submitters: Uncertain significance (2). 1 of the submissions does not count toward it. Last evaluated 2024-03-12.

Conditions:
Alstrom syndrome (ALMS). Identifiers: Orphanet 64, MedGen C0268425, MONDO:0008763, OMIM 203800.

Allele frequency attached by ClinVar (database versions not stated): ExAC 0.00001; gnomAD 0.00001; gnomAD exomes 0.00002; TOPMed 0.00002.
gnomAD v4.1: 3 of 1,613,884 alleles (0.00019%); highest among the groups gnomAD compares: East Asian, 0.0067%; no homozygotes.

Submissions (3):

Women's Health and Genetics/Laboratory Corporation of America, LabCorp
Classification: Uncertain significance. Last evaluated: 2024-03-12. Review status: criteria provided, single submitter. Criteria: LabCorp Variant Classification Summary - May 2015. Collection method: clinical testing. Allele origin: germline.

Labcorp Genetics (formerly Invitae), Labcorp
Classification: Uncertain significance for Alstrom syndrome. Last evaluated: 2022-03-26. Review status: criteria provided, single submitter. Criteria: Invitae Variant Classification Sherloc (09022015). Collection method: clinical testing. Allele origin: germline.
Comment: This sequence change replaces leucine, which is neutral and non-polar, with proline, which is neutral and non-polar, at codon 2260 of the ALMS1 protein (p.Leu2260Pro). This variant is present in population databases (rs768229118, gnomAD 0.03%). This variant has not been reported in the literature in individuals affected with ALMS1-related conditions. ClinVar contains an entry for this variant (Variation ID: 965714). In summary, the available evidence is currently insufficient to determine the role of this variant in disease. Therefore, it has been classified as a Variant of Uncertain Significance.

Natera, Inc.
Classification: Uncertain significance for Alstrom syndrome. Last evaluated: 2020-03-16. Review status: no assertion criteria provided. Collection method: clinical testing. Allele origin: germline. Not counted in ClinVar's aggregate classification.

NM_001378454.1(ALMS1):c.6776T>C (p.Leu2259Pro)

Gene: ALMS1 (ALMS1 centrosome and basal body associated protein; plus strand). Cytogenetic location: 2p13.1.
Variant type: single nucleotide variant.
Coding change: c.6776T>C on transcript NM_001378454.1 (MANE Select); coding-DNA position 6776, T replaced by C.
Protein change: p.Leu2259Pro; replaces leucine 2259 with proline.
Molecular consequence: missense variant.
Genome position (GRCh38, 1-based): chr2:73,453,303, T>C. VCF-style: chr2-73453303-T-C. GRCh37 (hg19) VCF-style: chr2-73680430-T-C.
Other names: c.6779T>C, p.Leu2260Pro (NM_015120.4); short protein forms L2260P, L2259P.
Identifiers: ClinVar variation 965714 (VCV000965714.8), dbSNP rs768229118, ClinGen allele CA1714119.